The following is an entry in ClinVar:

NM_000512.5(GALNS):c.188C>G (p.Ala63Gly)

Gene: GALNS (galactosamine (N-acetyl)-6-sulfatase; minus strand). Cytogenetic location: 16q24.3.
Variant type: single nucleotide variant.
Coding change: c.188C>G on transcript NM_000512.5 (MANE Select); coding-DNA position 188, C replaced by G.
Protein change: p.Ala63Gly; replaces alanine 63 with glycine.
Molecular consequence: missense variant. On other transcripts: intron variant (1).
Genome position (GRCh38, 1-based): chr16:88,842,762, G>C on the plus strand (C>G on the coding strand, the complement: GALNS is on the minus strand). VCF-style: chr16-88842762-G-C. GRCh37 (hg19) VCF-style: chr16-88909170-G-C.
Other names: c.206C>G, p.Ala69Gly (NM_001323544.2); c.-311-791C>G (NM_001323543.2); short protein forms A63G, A69G.
Identifiers: ClinVar variation 4886998 (VCV004886998.1).

ClinVar aggregate classification (germline): Likely pathogenic (1 of 4 stars; one submission).

Conditions:
Mucopolysaccharidosis, MPS-IV-A (MPS4A). Also called: MORQUIO SYNDROME A; GALACTOSAMINE-6-SULFATASE DEFICIENCY; GALNS DEFICIENCY; MORQUIO A DISEASE; MPS IVA; Mucopolysaccharidosis type IV A. Identifiers: Orphanet 309297, Orphanet 582, MedGen C0086651, MONDO:0009659, OMIM 253000.

Submission:

Department of Genetics and Endocrinology, Guangzhou Women and Children’s Medical Center
Classification: Likely pathogenic for Mucopolysaccharidosis, MPS-IV-A. Last evaluated: 2026-08-20. Review status: criteria provided, single submitter. Criteria: ACMG Guidelines, 2015. Collection method: clinical testing. Allele origin: germline. Affected: yes.
Comment: PM1: located in domain 1 (catalytic domain); PM2: absent from population databases (gnomAD); PP3: multiple in silico tools predict damaging effect; PP4: patient phenotype is highly specific for MPS IVA.